The following is an entry in ClinVar:

ClinVar aggregate classification (germline): Uncertain significance (1 of 4 stars; one submission).

Allele frequency attached by ClinVar (database versions not stated): gnomAD exomes below 0.00001; ExAC 0.00001.

Submission:

Labcorp Genetics (formerly Invitae), Labcorp
Classification: Uncertain significance. Last evaluated: 2022-07-29. Review status: criteria provided, single submitter. Criteria: Invitae Variant Classification Sherloc (09022015). Collection method: clinical testing. Allele origin: germline.
Comment: This sequence change replaces valine, which is neutral and non-polar, with isoleucine, which is neutral and non-polar, at codon 248 of the MICAL1 protein (p.Val248Ile). This variant is present in population databases (rs776450333, gnomAD 0.003%). This variant has not been reported in the literature in individuals affected with MICAL1-related conditions. Algorithms developed to predict the effect of missense changes on protein structure and function output the following: SIFT: "Tolerated"; PolyPhen-2: "Benign"; Align-GVGD: "Class C0". The isoleucine amino acid residue is found in multiple mammalian species, which suggests that this missense change does not adversely affect protein function. In summary, the available evidence is currently insufficient to determine the role of this variant in disease. Therefore, it has been classified as a Variant of Uncertain Significance.

NM_022765.4(MICAL1):c.685G>A (p.Val229Ile)

Gene: MICAL1 (microtubule associated monooxygenase, calponin and LIM domain containing 1; minus strand). Cytogenetic location: 6q21.
Variant type: single nucleotide variant.
Coding change: c.685G>A on transcript NM_022765.4 (MANE Select); coding-DNA position 685, G replaced by A.
Protein change: p.Val229Ile; replaces valine 229 with isoleucine.
Molecular consequence: missense variant.
Genome position (GRCh38, 1-based): chr6:109,452,393, C>T on the plus strand (G>A on the coding strand, the complement: MICAL1 is on the minus strand). VCF-style: chr6-109452393-C-T. GRCh37 (hg19) VCF-style: chr6-109773596-C-T.
Other names: c.685G>A, p.Val229Ile (NM_001159291.2); c.742G>A, p.Val248Ile (NM_001286613.2); short protein forms V229I, V248I.
Identifiers: ClinVar variation 2018447 (VCV002018447.4), dbSNP rs776450333, ClinGen allele CA3953652.